The following is an entry in ClinVar:

ClinVar aggregate classification (germline): Uncertain significance (1 of 4 stars; one submission).

Allele frequency attached by ClinVar (database versions not stated): gnomAD 0.00001; gnomAD exomes 0.00001; TOPMed 0.00001.
gnomAD v4.1: 16 of 1,501,414 alleles (0.0011%); highest among the groups gnomAD compares: East Asian, 0.0045%; no homozygotes.

Submission:

Labcorp Genetics (formerly Invitae), Labcorp
Classification: Uncertain significance. Last evaluated: 2023-04-10. Review status: criteria provided, single submitter. Criteria: Invitae Variant Classification Sherloc (09022015). Collection method: clinical testing. Allele origin: germline.
Comment: This variant is present in population databases (no rsID available, gnomAD 0.01%). In summary, the available evidence is currently insufficient to determine the role of this variant in disease. Therefore, it has been classified as a Variant of Uncertain Significance. An algorithm developed to predict the effect of missense changes on protein structure and function (PolyPhen-2) suggests that this variant is likely to be disruptive. This variant has not been reported in the literature in individuals affected with POLE2-related conditions. This sequence change replaces alanine, which is neutral and non-polar, with threonine, which is neutral and polar, at codon 25 of the POLE2 protein (p.Ala25Thr).

NM_002692.4(POLE2):c.73G>A (p.Ala25Thr)

Gene: POLE2 (DNA polymerase epsilon 2, accessory subunit; minus strand). Cytogenetic location: 14q21.3.
Variant type: single nucleotide variant.
Coding change: c.73G>A on transcript NM_002692.4 (MANE Select); coding-DNA position 73, G replaced by A.
Protein change: p.Ala25Thr; replaces alanine 25 with threonine.
Molecular consequence: missense variant. On other transcripts: 5 prime UTR variant (1).
Genome position (GRCh38, 1-based): chr14:49,683,689, C>T on the plus strand (G>A on the coding strand, the complement: POLE2 is on the minus strand). VCF-style: chr14-49683689-C-T. GRCh37 (hg19) VCF-style: chr14-50150407-C-T.
Other names: c.73G>A, p.Ala25Thr (NM_001197330.2, NM_001197331.3, NM_001348384.2); c.-163G>A (NM_001348385.2); short protein forms A25T.
Identifiers: ClinVar variation 2988789 (VCV002988789.3), dbSNP rs914857710, ClinGen allele CA260662839.